The following is an entry in ClinVar:

NM_001348800.3(ZBTB20):c.1263G>A (p.Pro421=)

Gene: ZBTB20 (zinc finger and BTB domain containing 20; minus strand). Cytogenetic location: 3q13.31.
Variant type: single nucleotide variant.
Coding change: c.1263G>A on transcript NM_001348800.3 (MANE Select); coding-DNA position 1263, G replaced by A.
Protein change: p.Pro421=; no amino-acid change (proline 421 retained).
Molecular consequence: synonymous variant.
Genome position (GRCh38, 1-based): chr3:114,350,815, C>T on the plus strand (G>A on the coding strand, the complement: ZBTB20 is on the minus strand). VCF-style: chr3-114350815-C-T. GRCh37 (hg19) VCF-style: chr3-114069662-C-T.
Other names: c.1263G>A, p.Pro421= (NM_001164342.2, NM_001348803.3, NM_001393393.1 and 1 more transcripts); c.1044G>A, p.Pro348= (NM_001164343.2, NM_001164344.4, NM_001164345.4 and 9 more transcripts).
Identifiers: ClinVar variation 5041131 (VCV005041131.1).
Genomic context (GRCh38, chr3:114,350,815, plus strand): 5'-CATCTCCACTTCATTGCTTCTCTCCGGAGAGGAAGCACCTGTTTCTAGCTGGTTTGTCTG[C>T]GGACCACCCTCAGCGGGGGCTTCTGCAGCCTGCTCGGGTTGGGTGGGTTCAGCCTGGCTG-3'
Protein context (NP_001335729.1, residues 411-431): QAAEAPAEGG[Pro421=]QTNQLETGAS

ClinVar aggregate classification (germline): Likely benign (1 of 4 stars; one submission).

gnomAD v4.1: 10 of 1,613,558 alleles (0.00062%); highest among the groups gnomAD compares: South Asian, 0.0033%; no homozygotes.

Submission:

CeGaT Center for Human Genetics Tuebingen
Classification: Likely benign. Last evaluated: 2026-09-01. Review status: criteria provided, single submitter. Criteria: CeGaT Center For Human Genetics Tuebingen Variant Classification Criteria Version 2. Collection method: clinical testing. Allele origin: germline. Affected: yes. Observed: 1 variant allele.
Comment: ZBTB20: BP4, BP7